The following is an entry in ClinVar:

NM_001204.7(BMPR2):c.2300A>C (p.Lys767Thr)

Gene: BMPR2 (bone morphogenetic protein receptor type 2; plus strand). Cytogenetic location: 2q33.2.
Variant type: single nucleotide variant.
Coding change: c.2300A>C on transcript NM_001204.7 (MANE Select); coding-DNA position 2300, A replaced by C.
Protein change: p.Lys767Thr; replaces lysine 767 with threonine.
Molecular consequence: missense variant.
Genome position (GRCh38, 1-based): chr2:202,555,965, A>C. VCF-style: chr2-202555965-A-C. GRCh37 (hg19) VCF-style: chr2-203420688-A-C.
Other names: short protein forms K767T.
Identifiers: ClinVar variation 3992151 (VCV003992151.1).

ClinVar aggregate classification (germline): Uncertain significance (1 of 4 stars; one submission).

Conditions:
Inborn genetic diseases. Identifiers: MedGen C0950123, MeSH D030342.

Submission:

Ambry Genetics
Classification: Uncertain significance for Inborn genetic diseases. Last evaluated: 2025-05-04. Review status: criteria provided, single submitter. Criteria: Ambry Variant Classification Scheme 2023. Collection method: clinical testing. Allele origin: germline.
Comment: The p.K767T variant (also known as c.2300A>C), located in coding exon 12 of the BMPR2 gene, results from an A to C substitution at nucleotide position 2300. The lysine at codon 767 is replaced by threonine, an amino acid with similar properties. This amino acid position is conserved. In addition, the in silico prediction for this alteration is inconclusive. Based on the available evidence, the clinical significance of this variant remains unclear.